The following is an entry in ClinVar:

NM_198578.4(LRRK2):c.2074C>A (p.Leu692Ile)

Gene: LRRK2 (leucine rich repeat kinase 2; plus strand). Cytogenetic location: 12q12.
Variant type: single nucleotide variant.
Coding change: c.2074C>A on transcript NM_198578.4 (MANE Select); coding-DNA position 2074, C replaced by A.
Protein change: p.Leu692Ile; replaces leucine 692 with isoleucine.
Molecular consequence: missense variant.
Genome position (GRCh38, 1-based): chr12:40,278,094, C>A. VCF-style: chr12-40278094-C-A. GRCh37 (hg19) VCF-style: chr12-40671896-C-A.
Other names: short protein forms L692I.
Identifiers: ClinVar variation 3540716 (VCV003540716.1).
Genomic context (GRCh38, chr12:40,278,094, plus strand): 5'-TGCATCCTAAATGTTATGTATTTATCTGACTCTAATTCTCATTTCCACTCTTTTTAGTTT[C>A]TAAACCTCTGTTGCAAGTGTTTTGCAAAAGTAGCTATGGATGATTACTTAAAAAATGTGA-3'
Protein context (NP_940980.4, residues 682-702): NIMEQKDQQF[Leu692Ile]NLCCKCFAKV

ClinVar aggregate classification (germline): Uncertain significance (1 of 4 stars; one submission).

Conditions:
Inborn genetic diseases. Identifiers: MedGen C0950123, MeSH D030342.

Submission:

Ambry Genetics
Classification: Uncertain significance for Inborn genetic diseases. Last evaluated: 2024-10-11. Review status: criteria provided, single submitter. Criteria: Ambry Variant Classification Scheme 2023. Collection method: clinical testing. Allele origin: germline.
Comment: The p.L692I variant (also known as c.2074C>A), located in coding exon 18 of the LRRK2 gene, results from a C to A substitution at nucleotide position 2074. The leucine at codon 692 is replaced by isoleucine, an amino acid with highly similar properties. This amino acid position is conserved. In addition, this alteration is predicted to be tolerated by in silico analysis. Based on the available evidence, the clinical significance of this variant remains unclear.